The following is an entry in ClinVar:

NM_004260.4(RECQL4):c.2784G>C (p.Glu928Asp)

Gene: RECQL4 (RecQ like helicase 4; minus strand). Cytogenetic location: 8q24.3.
Variant type: single nucleotide variant.
Coding change: c.2784G>C on transcript NM_004260.4 (MANE Select); coding-DNA position 2784, G replaced by C.
Protein change: p.Glu928Asp; replaces glutamic acid 928 with aspartic acid.
Molecular consequence: missense variant.
Genome position (GRCh38, 1-based): chr8:144,512,743, C>G on the plus strand (G>C on the coding strand, the complement: RECQL4 is on the minus strand). VCF-style: chr8-144512743-C-G. GRCh37 (hg19) VCF-style: chr8-145738126-C-G.
Other names: short protein forms E928D.
Identifiers: ClinVar variation 959200 (VCV000959200.5), dbSNP rs1827486203, ClinGen allele CA372674474.

ClinVar aggregate classification (germline): Uncertain significance (1 of 4 stars; one submission).

Conditions:
Baller-Gerold syndrome (BGS). Also called: CRANIOSYNOSTOSIS WITH RADIAL DEFECTS. Identifiers: Orphanet 1225, MedGen C0265308, MONDO:0009039, OMIM 218600.

Submission:

Labcorp Genetics (formerly Invitae), Labcorp
Classification: Uncertain significance for Baller-Gerold syndrome. Last evaluated: 2025-05-07. Review status: criteria provided, single submitter. Criteria: Invitae Variant Classification Sherloc (09022015). Collection method: clinical testing. Allele origin: germline.
Comment: This sequence change replaces glutamic acid, which is acidic and polar, with aspartic acid, which is acidic and polar, at codon 928 of the RECQL4 protein (p.Glu928Asp). This variant is not present in population databases (gnomAD no frequency). This variant has not been reported in the literature in individuals affected with RECQL4-related conditions. ClinVar contains an entry for this variant (Variation ID: 959200). Invitae Evidence Modeling of protein sequence and biophysical properties (such as structural, functional, and spatial information, amino acid conservation, physicochemical variation, residue mobility, and thermodynamic stability) indicates that this missense variant is expected to disrupt RECQL4 protein function with a positive predictive value of 80%. In summary, the available evidence is currently insufficient to determine the role of this variant in disease. Therefore, it has been classified as a Variant of Uncertain Significance.